The following is an entry in ClinVar:

ClinVar aggregate classification (germline): Benign (0 of 4 stars; one submission).

Conditions:
KCNIP4-related disorder. Also called: KCNIP4-related condition.

Allele frequency attached by ClinVar (database versions not stated): gnomAD exomes 0.30156; ExAC 0.30964; gnomAD 0.33219; 1000 Genomes Project 30x 0.33479; TOPMed 0.33635; 1000 Genomes Project 0.33686; ESP Exome Variant Server 0.35284.
gnomAD v4.1: 480,100 of 1,574,060 alleles (31%); highest among the groups gnomAD compares: African/African-American, 44%; 76,158 homozygotes.

Submission:

PreventionGenetics, part of Exact Sciences
Classification: Benign for KCNIP4-related condition. Last evaluated: 2019-10-16. Review status: no assertion criteria provided. Collection method: clinical testing. Allele origin: germline.
Comment: This variant is classified as benign based on ACMG/AMP sequence variant interpretation guidelines (Richards et al. 2015 PMID: 25741868, with internal and published modifications).

NM_025221.6(KCNIP4):c.429+7T>C

Genes: KCNIP4 (potassium voltage-gated channel interacting protein 4; minus strand), PACRGL (parkin coregulated like; plus strand). Cytogenetic location: 4p15.31.
Variant type: single nucleotide variant.
Coding change: c.429+7T>C on transcript NM_025221.6 (MANE Select); 7 bases into the intron after coding-DNA position 429, T replaced by C.
Molecular consequence: intron variant.
Genome position (GRCh38, 1-based): chr4:20,749,655, A>G on the plus strand (T>C on the coding strand, the complement: KCNIP4 is on the minus strand). VCF-style: chr4-20749655-A-G. GRCh37 (hg19) VCF-style: chr4-20751278-A-G.
Other names: c.327+7T>C (NM_147181.4); c.243+7T>C (NM_147182.4, NM_001035004.2); c.354+7T>C (NM_001035003.2); c.378+7T>C (NM_001363504.2); c.366+7T>C (NM_147183.3).
Identifiers: ClinVar variation 3058996 (VCV003058996.2), dbSNP rs2322688, ClinGen allele CA2872991.